The following is an entry in ClinVar:

NM_003000.3(SDHB):c.688C>G (p.Arg230Gly)

Gene: SDHB (succinate dehydrogenase complex iron sulfur subunit B; minus strand). Cytogenetic location: 1p36.13.
Variant type: single nucleotide variant.
Coding change: c.688C>G on transcript NM_003000.3 (MANE Select); coding-DNA position 688, C replaced by G.
Protein change: p.Arg230Gly; replaces arginine 230 with glycine.
Molecular consequence: missense variant.
Genome position (GRCh38, 1-based): chr1:17,022,685, G>C on the plus strand (C>G on the coding strand, the complement: SDHB is on the minus strand). VCF-style: chr1-17022685-G-C. GRCh37 (hg19) VCF-style: chr1-17349180-G-C.
Other names: c.634C>G, p.Arg212Gly (NM_001407361.1); short protein forms R230G, R212G.
Identifiers: ClinVar variation 1755980 (VCV001755980.2), dbSNP rs138996609, ClinGen allele CA16044070.

ClinVar aggregate classification (germline): Likely pathogenic (1 of 4 stars; one submission).

Conditions:
Hereditary cancer-predisposing syndrome. Also called: Neoplastic Syndromes, Hereditary; Tumor predisposition; Hereditary Cancer Syndrome; Hereditary neoplastic syndrome. Identifiers: Orphanet 140162, MedGen C0027672, MeSH D009386, MONDO:0015356.

Submission:

Ambry Genetics
Classification: Likely pathogenic for Hereditary cancer-predisposing syndrome. Last evaluated: 2015-09-24. Review status: criteria provided, single submitter. Criteria: Ambry Variant Classification Scheme 2023. Collection method: clinical testing. Allele origin: germline.
Comment: The p.R230G variant (also known as c.688C>G), located in coding exon 7 of the SDHB gene, results from a C to G substitution at nucleotide position 688. The arginine at codon 230 is replaced by glycine, an amino acid with dissimilar properties. In one study, this alteration was found in three individuals affected with paragangliomas and in 22 unaffected carriers out of a total of 45 screened individuals from two unrelated families (Castellano M, et al. Ann. N. Y. Acad. Sci. 2006;1073():156-65). Two different alterations located at the same position, p.R230H and p.R230C, have been reported in patients with pheochromocytomas and/or paragangliomas (Amar et al. J Clin Oncol. 2005 Dec1; 23(34):8812-8, Said-Al-Naief et al. Head Neck Pathol 2008 Dec; 2(4): 272-8, Ricketts CJ et al. J. Urol. 2012; 188:2063-71, Casc&oacute;n A et al. J. Clin. Endocrinol. Metab. 2009; 94:1701-5, Burnichon N et al. J. Clin. Endocrinol. Metab. 2009; 94:2817-27; Dahia PL et al. PLoS Genet. 2005 Jul;1(1):72-80; Neumann HP et al. Cancer Res. 2009 Apr 15;69(8):3650-6; Sevilla MA et al. Otolaryngol Head Neck Surg. 2009 May;140(5):724-9; Burnichon N et al. J Clin Endocrinol Metab. 2009 Aug;94(8):2817-27; Yang C et al. FASEB J. 2012 Nov;26(11):4506-16). This variant was not reported in population based cohorts in the following databases: Database of Single Nucleotide Polymorphisms (dbSNP), NHLBI Exome Sequencing Project (ESP), and 1000 Genomes Project. In the ESP, this variant was not observed in 6503 samples (13006 alleles) with coverage at this position. To date, this alteration has been detected with an allele frequency of approximately 0.00% (greater than 6100 alleles tested) in our clinical cohort. This amino acid position is highly conserved in available vertebrate species. In addition, this alteration is predicted to be deleterious by in silico analysis. Based on the majority of available evidence to date, this variant is likely to be pathogenic.

Literature cited by the submitters: PubMed 17102082.